The following is an entry in ClinVar:

ClinVar aggregate classification (germline): Uncertain significance. Review status: criteria provided, multiple submitters, no conflicts (2 of 4 stars). 2 submissions from 2 submitters: Uncertain significance (2). Last evaluated 2025-09-01.

Submissions (2):

CeGaT Center for Human Genetics Tuebingen
Classification: Uncertain significance. Last evaluated: 2025-09-01. Review status: criteria provided, single submitter. Criteria: CeGaT Center For Human Genetics Tuebingen Variant Classification Criteria Version 2. Collection method: clinical testing. Allele origin: germline. Affected: yes. Observed: 1 variant allele.
Comment: OPHN1: PM2, BP4

Dasa
Classification: Uncertain significance. Last evaluated: 2024-10-08. Review status: criteria provided, single submitter. Criteria: DASA Assertion Criteria. Collection method: clinical testing. Allele origin: germline.
Comment: NM_002547.3(OPHN1):c.2159-7C>T is a splice-region variant. This variant is absent from population databases. Computational prediction algorithms are consistent with a benign effect. The currently available literature and clinical evidence are not sufficient to establish a definitive association between this variant and the reported condition. Therefore, this variant is classified as a variant of uncertain significance.

NM_002547.3(OPHN1):c.2159-7C>T

Gene: OPHN1 (oligophrenin 1; minus strand). Cytogenetic location: Xq12.
Variant type: single nucleotide variant.
Coding change: c.2159-7C>T on transcript NM_002547.3 (MANE Select); 7 bases into the intron before coding-DNA position 2159, C replaced by T.
Molecular consequence: intron variant.
Genome position (GRCh38, 1-based): chrX:68,053,817, G>A on the plus strand (C>T on the coding strand, the complement: OPHN1 is on the minus strand). VCF-style: chrX-68053817-G-A. GRCh37 (hg19) VCF-style: chrX-67273659-G-A.
Other names: c.1835-7C>T (NM_001437258.1).
Identifiers: ClinVar variation 4281367 (VCV004281367.9).